The following is an entry in ClinVar:

ClinVar aggregate classification (germline): Uncertain significance (1 of 4 stars; one submission).

Conditions:
Ehlers-Danlos syndrome, kyphoscoliotic type 1 (EDSKSCL1). Also called: Ehlers-Danlos syndrome, hydroxylysine-deficient; EHLERS-DANLOS SYNDROME, TYPE VIA; EHLERS-DANLOS SYNDROME, OCULAR-SCOLIOTIC TYPE; PLOD1-Related Kyphoscoliotic Ehlers-Danlos Syndrome. Identifiers: Orphanet 1900, MedGen C0268342, MONDO:0016002, OMIM 225400. Disease mechanism: loss of function.

Allele frequency attached by ClinVar (database versions not stated): gnomAD exomes below 0.00001.
gnomAD v4.1: 6 of 1,612,788 alleles (0.00037%); highest among the groups gnomAD compares: Non-Finnish European, 0.00051%; no homozygotes.

Submission:

Labcorp Genetics (formerly Invitae), Labcorp
Classification: Uncertain significance for Ehlers-Danlos syndrome, kyphoscoliotic type 1. Last evaluated: 2021-07-25. Review status: criteria provided, single submitter. Criteria: Invitae Variant Classification Sherloc (09022015). Collection method: clinical testing. Allele origin: germline.
Comment: Algorithms developed to predict the effect of missense changes on protein structure and function are either unavailable or do not agree on the potential impact of this missense change (SIFT: "Deleterious"; PolyPhen-2: "Possibly Damaging"; Align-GVGD: "Class C15"). This variant has not been reported in the literature in individuals affected with PLOD1-related conditions. This variant is not present in population databases (ExAC no frequency). This sequence change replaces histidine with glutamine at codon 241 of the PLOD1 protein (p.His241Gln). The histidine residue is highly conserved and there is a small physicochemical difference between histidine and glutamine. Algorithms developed to predict the effect of sequence changes on RNA splicing suggest that this variant may create or strengthen a splice site. In summary, the available evidence is currently insufficient to determine the role of this variant in disease. Therefore, it has been classified as a Variant of Uncertain Significance.

NM_000302.4(PLOD1):c.723T>G (p.His241Gln)

Gene: PLOD1 (procollagen-lysine,2-oxoglutarate 5-dioxygenase 1; plus strand). Cytogenetic location: 1p36.22.
Variant type: single nucleotide variant.
Coding change: c.723T>G on transcript NM_000302.4 (MANE Select); coding-DNA position 723, T replaced by G.
Protein change: p.His241Gln; replaces histidine 241 with glutamine.
Molecular consequence: missense variant.
Genome position (GRCh38, 1-based): chr1:11,956,996, T>G. VCF-style: chr1-11956996-T-G. GRCh37 (hg19) VCF-style: chr1-12017053-T-G.
Other names: c.864T>G, p.His288Gln (NM_001316320.2); short protein forms H241Q, H288Q.
Identifiers: ClinVar variation 1428097 (VCV001428097.6), dbSNP rs2100750549, ClinGen allele CA338431316.